The following is an entry in ClinVar:

ClinVar aggregate classification (germline): Uncertain significance. Review status: criteria provided, multiple submitters, no conflicts (2 of 4 stars). 3 submissions from 3 submitters: Uncertain significance (3). Last evaluated 2025-10-16.

Conditions:
Hereditary cancer-predisposing syndrome. Also called: Tumor predisposition; Hereditary neoplastic syndrome; Hereditary Cancer Syndrome; Neoplastic Syndromes, Hereditary. Identifiers: Orphanet 140162, MedGen C0027672, MeSH D009386, MONDO:0015356.

Allele frequency attached by ClinVar (database versions not stated): TOPMed below 0.00001.

Submissions (3):

Ambry Genetics
Classification: Uncertain significance for Hereditary cancer-predisposing syndrome. Last evaluated: 2025-10-16. Review status: criteria provided, single submitter. Criteria: Ambry Variant Classification Scheme 2023. Collection method: clinical testing. Allele origin: germline.
Comment: The c.1143G>A variant (also known as p.Q381Q), located in coding exon 7 of the CTNNA1 gene, results from a G to A substitution at nucleotide position 1143. This nucleotide substitution does not change the amino acid at codon 381. However, this change occurs in the last base pair of coding exon 7, which makes it likely to have some effect on normal mRNA splicing. This nucleotide position is highly conserved in available vertebrate species. In silico splice site analysis predicts that this alteration may weaken the native splice donor site; however, direct evidence is insufficient at this time (Ambry internal data). Based on the available evidence, the clinical significance of this variant remains unclear.

GeneDx
Classification: Uncertain significance. Last evaluated: 2024-08-20. Review status: criteria provided, single submitter. Criteria: GeneDx Variant Classification Process June 2021. Collection method: clinical testing. Allele origin: germline. Affected: yes.
Comment: Not observed at significant frequency in large population cohorts (gnomAD); Has not been previously published as pathogenic or benign to our knowledge; In silico analysis is inconclusive as to whether the variant alters gene splicing. In the absence of RNA/functional studies, the actual effect of this sequence change is unknown.

Labcorp Genetics (formerly Invitae), Labcorp
Classification: Uncertain significance. Last evaluated: 2020-09-01. Review status: criteria provided, single submitter. Criteria: Invitae Variant Classification Sherloc (09022015). Collection method: clinical testing. Allele origin: germline.
Comment: This sequence change affects codon 381 of the CTNNA1 mRNA. It is a 'silent' change, meaning that it does not change the encoded amino acid sequence of the CTNNA1 protein. This variant is not present in population databases (ExAC no frequency). In summary, the available evidence is currently insufficient to determine the role of this variant in disease. Therefore, it has been classified as a Variant of Uncertain Significance. Algorithms developed to predict the effect of sequence changes on RNA splicing suggest that this variant may disrupt the consensus splice site, but this prediction has not been confirmed by published transcriptional studies. This variant has not been reported in the literature in individuals with CTNNA1-related conditions.

NM_001903.5(CTNNA1):c.1143G>A (p.Gln381=)

Gene: CTNNA1 (catenin alpha 1; plus strand). Cytogenetic location: 5q31.2.
Variant type: single nucleotide variant.
Coding change: c.1143G>A on transcript NM_001903.5 (MANE Select); coding-DNA position 1143, G replaced by A.
Protein change: p.Gln381=; no amino-acid change (glutamine 381 retained).
Molecular consequence: synonymous variant. On other transcripts: 5 prime UTR variant (5), intron variant (2).
Genome position (GRCh38, 1-based): chr5:138,886,292, G>A. VCF-style: chr5-138886292-G-A. GRCh37 (hg19) VCF-style: chr5-138221981-G-A.
Other names: c.33G>A, p.Gln11= (NM_001324003.1, NM_001324004.1, NM_001324005.1 and 18 more transcripts); c.-365G>A (NM_001324006.1, NM_001324007.1, NM_001324009.1 and 1 more transcripts); c.-240G>A (NM_001324013.1); c.1143G>A, p.Gln381= (NM_001290307.3, NM_001323982.2, NM_001323983.1 and 3 more transcripts); c.834G>A, p.Gln278= (NM_001290309.3); c.774G>A, p.Gln258= (NM_001290310.3); c.-58+10695G>A (NM_001324012.1); c.-61+10695G>A (NM_001324010.1); and 1 more.
Identifiers: ClinVar variation 1052405 (VCV001052405.11), dbSNP rs1326782506, ClinGen allele CA446589126.